The following is an entry in ClinVar:

ClinVar aggregate classification (germline): Uncertain significance. Review status: criteria provided, multiple submitters, no conflicts (2 of 4 stars). 3 submissions from 3 submitters: Uncertain significance (3). Last evaluated 2024-12-10.

Conditions:
Cone-rod dystrophy. Also called: Cone-rod degeneration; Cone/cone-rod dystrophy. Identifiers: Orphanet 1872, MedGen C4085590, MONDO:0015993, HP:0000548.

Allele frequency attached by ClinVar (database versions not stated): gnomAD 0.00001; ExAC 0.00002; gnomAD exomes 0.00002; TOPMed 0.00003; 1000 Genomes Project 0.00020; 1000 Genomes Project 30x 0.00031.
gnomAD v4.1: 69 of 1,613,826 alleles (0.0043%); highest among the groups gnomAD compares: Non-Finnish European, 0.0057%; no homozygotes.

Submissions (3):

Ambry Genetics
Classification: Uncertain significance. Last evaluated: 2024-12-10. Review status: criteria provided, single submitter. Criteria: Ambry Variant Classification Scheme 2023. Collection method: clinical testing. Allele origin: germline.

Labcorp Genetics (formerly Invitae), Labcorp
Classification: Uncertain significance. Last evaluated: 2022-10-13. Review status: criteria provided, single submitter. Criteria: Invitae Variant Classification Sherloc (09022015). Collection method: clinical testing. Allele origin: germline.
Comment: This sequence change replaces leucine, which is neutral and non-polar, with arginine, which is basic and polar, at codon 140 of the UNC119 protein (p.Leu140Arg). In summary, the available evidence is currently insufficient to determine the role of this variant in disease. Therefore, it has been classified as a Variant of Uncertain Significance. Algorithms developed to predict the effect of missense changes on protein structure and function are either unavailable or do not agree on the potential impact of this missense change (SIFT: "Not Available"; PolyPhen-2: "Probably Damaging"; Align-GVGD: "Not Available"). ClinVar contains an entry for this variant (Variation ID: 848570). This variant has not been reported in the literature in individuals affected with UNC119-related conditions. This variant is present in population databases (rs199705690, gnomAD 0.006%).

Illumina Laboratory Services, Illumina
Classification: Uncertain significance for Cone-rod dystrophy. Last evaluated: 2018-01-12. Review status: criteria provided, single submitter. Criteria: ICSL Variant Classification Criteria 13 December 2019. Collection method: clinical testing. Allele origin: germline.

NM_005148.4(UNC119):c.419T>G (p.Leu140Arg)

Gene: UNC119 (unc-119 lipid binding chaperone; minus strand). Cytogenetic location: 17q11.2.
Variant type: single nucleotide variant.
Coding change: c.419T>G on transcript NM_005148.4 (MANE Select); coding-DNA position 419, T replaced by G.
Protein change: p.Leu140Arg; replaces leucine 140 with arginine.
Molecular consequence: missense variant.
Genome position (GRCh38, 1-based): chr17:28,548,017, A>C on the plus strand (T>G on the coding strand, the complement: UNC119 is on the minus strand). VCF-style: chr17-28548017-A-C. GRCh37 (hg19) VCF-style: chr17-26875035-A-C.
Other names: c.134T>G, p.Leu45Arg (NM_001330166.2); c.419T>G, p.Leu140Arg (NM_054035.2); short protein forms L140R, L45R.
Identifiers: ClinVar variation 848570 (VCV000848570.13), dbSNP rs199705690, ClinGen allele CA8459804.
Genomic context (GRCh38, chr17:28,548,017, plus strand): 5'-CTCTCCCTCACCCCCACCACCACCCATAGCCCAGCGACTCACGTGGCTCCCACCTGCCTC[A>C]GGCGGAGGAAGGCAGGCGTGAACTGGTAGCGGACAAAGCGCCCAGCATTGGGGTCCAGGT-3'
Protein context (NP_005139.1, residues 130-150): RYQFTPAFLR[Leu140Arg]RQVGATVEFT